The following is an entry in ClinVar:

ClinVar aggregate classification (germline): Uncertain significance. Review status: criteria provided, multiple submitters, no conflicts (2 of 4 stars). 2 submissions from 2 submitters: Uncertain significance (2). Last evaluated 2023-09-14.

Allele frequency attached by ClinVar (database versions not stated): TOPMed below 0.00001; gnomAD 0.00001.
gnomAD v4.1: 1 of 1,550,728 alleles (0.000064%); highest among the groups gnomAD compares: Non-Finnish European, 0.000087%; no homozygotes.

Submissions (2):

Ambry Genetics
Classification: Uncertain significance. Last evaluated: 2023-09-14. Review status: criteria provided, single submitter. Criteria: Ambry Variant Classification Scheme 2023. Collection method: clinical testing. Allele origin: germline.

GeneDx
Classification: Uncertain significance. Last evaluated: 2023-05-08. Review status: criteria provided, single submitter. Criteria: GeneDx Variant Classification Process June 2021. Collection method: clinical testing. Allele origin: germline. Affected: yes.
Comment: Not observed at significant frequency in large population cohorts (gnomAD); In silico analysis supports that this missense variant has a deleterious effect on protein structure/function; Has not been previously published as pathogenic or benign to our knowledge

NM_001367479.1(DNAH14):c.8501T>C (p.Ile2834Thr)

Gene: DNAH14 (dynein axonemal heavy chain 14; plus strand). Cytogenetic location: 1q42.12.
Variant type: single nucleotide variant.
Coding change: c.8501T>C on transcript NM_001367479.1 (MANE Select); coding-DNA position 8501, T replaced by C.
Protein change: p.Ile2834Thr; replaces isoleucine 2834 with threonine.
Molecular consequence: missense variant.
Genome position (GRCh38, 1-based): chr1:225,300,900, T>C. VCF-style: chr1-225300900-T-C. GRCh37 (hg19) VCF-style: chr1-225488602-T-C.
Other names: NM_001373.1:c.8222T>C; short protein forms I2834T.
Identifiers: ClinVar variation 2624025 (VCV002624025.3), dbSNP rs1274712455, ClinGen allele CA345324090.